The following is an entry in ClinVar:

ClinVar aggregate classification (germline): Uncertain significance (1 of 4 stars; one submission).

Submission:

Labcorp Genetics (formerly Invitae), Labcorp
Classification: Uncertain significance. Last evaluated: 2022-11-17. Review status: criteria provided, single submitter. Criteria: Invitae Variant Classification Sherloc (09022015). Collection method: clinical testing. Allele origin: germline.
Comment: In summary, the available evidence is currently insufficient to determine the role of this variant in disease. Therefore, it has been classified as a Variant of Uncertain Significance. This variant has not been reported in the literature in individuals affected with CPAMD8-related conditions. This variant is not present in population databases (gnomAD no frequency). This variant, c.32_46dup, results in the insertion of 5 amino acid(s) of the CPAMD8 protein (p.Glu11_Pro15dup), but otherwise preserves the integrity of the reading frame.

NM_015692.5(CPAMD8):c.-110_-96dup

Gene: CPAMD8 (C3 and PZP like alpha-2-macroglobulin domain containing 8; minus strand). Cytogenetic location: 19p13.11.
Variant type: Duplication.
Coding change: c.-110_-96dup on transcript NM_015692.5 (MANE Select); 110 bases upstream of the start codon through 96 bases upstream of the start codon, 15 bases duplicated (AACAAAGGGCCCCCG).
Molecular consequence: 5 prime UTR variant. On other transcripts: non-coding transcript variant (1).
Genome position (GRCh38, 1-based): chr19:17,026,738-17,026,752, CGGGGGCCCTTTGTT duplicated on the plus strand (AACAAAGGGCCCCCG on the coding strand, the reverse complement: CPAMD8 is on the minus strand); duplicating any 15 consecutive bases within chr19:17,026,738-17,026,754 gives the same sequence; the c. name uses the placement nearest the transcript's 3' end. VCF-style (leftmost placement, unchanged base first): chr19-17026737-C-CCGGGGGCCCTTTGTT. GRCh37 (hg19) VCF-style: chr19-17137547-C-CCGGGGGCCCTTTGTT.
Identifiers: ClinVar variation 2715016 (VCV002715016.3), dbSNP rs2057096520, ClinGen allele CA994063958.